The following is an entry in ClinVar:

NM_001277313.2(FMN1):c.3682G>A (p.Val1228Ile)

Gene: FMN1 (formin 1; minus strand). Cytogenetic location: 15q13.3.
Variant type: single nucleotide variant.
Coding change: c.3682G>A on transcript NM_001277313.2 (MANE Select); coding-DNA position 3682, G replaced by A.
Protein change: p.Val1228Ile; replaces valine 1228 with isoleucine.
Molecular consequence: missense variant.
Genome position (GRCh38, 1-based): chr15:32,898,866, C>T on the plus strand (G>A on the coding strand, the complement: FMN1 is on the minus strand). VCF-style: chr15-32898866-C-T. GRCh37 (hg19) VCF-style: chr15-33191067-C-T.
Other names: c.3013G>A, p.Val1005Ile (NM_001103184.4); short protein forms V1005I, V1228I.
Identifiers: ClinVar variation 1915211 (VCV001915211.5), dbSNP rs535179017, ClinGen allele CA7456469.

ClinVar aggregate classification (germline): Uncertain significance (1 of 4 stars; one submission).

Allele frequency attached by ClinVar (database versions not stated): gnomAD 0.00003; gnomAD exomes 0.00003; TOPMed 0.00003; ExAC 0.00004.
gnomAD v4.1: 47 of 1,601,544 alleles (0.0029%); highest among the groups gnomAD compares: South Asian, 0.018%; no homozygotes.

Submission:

Labcorp Genetics (formerly Invitae), Labcorp
Classification: Uncertain significance. Last evaluated: 2022-04-30. Review status: criteria provided, single submitter. Criteria: Invitae Variant Classification Sherloc (09022015). Collection method: clinical testing. Allele origin: germline.
Comment: In summary, the available evidence is currently insufficient to determine the role of this variant in disease. Therefore, it has been classified as a Variant of Uncertain Significance. Algorithms developed to predict the effect of missense changes on protein structure and function are either unavailable or do not agree on the potential impact of this missense change (SIFT: "Tolerated"; PolyPhen-2: "Possibly Damaging"; Align-GVGD: "Class C0"). This variant has not been reported in the literature in individuals affected with FMN1-related conditions. This variant is present in population databases (rs535179017, gnomAD 0.02%). This sequence change replaces valine, which is neutral and non-polar, with isoleucine, which is neutral and non-polar, at codon 1005 of the FMN1 protein (p.Val1005Ile).